The following is an entry in ClinVar:

NM_001318734.2(KLC2):c.1505G>A (p.Arg502Gln)

Gene: KLC2 (kinesin light chain 2; plus strand). Cytogenetic location: 11q13.2.
Variant type: single nucleotide variant.
Coding change: c.1505G>A on transcript NM_001318734.2 (MANE Select); coding-DNA position 1505, G replaced by A.
Protein change: p.Arg502Gln; replaces arginine 502 with glutamine.
Molecular consequence: missense variant.
Genome position (GRCh38, 1-based): chr11:66,265,915, G>A. VCF-style: chr11-66265915-G-A. GRCh37 (hg19) VCF-style: chr11-66033386-G-A.
Other names: c.1274G>A, p.Arg425Gln (NM_001134774.2); c.1505G>A, p.Arg502Gln (NM_001134775.2, NM_001134776.2, NM_022822.3); short protein forms R502Q, R425Q.
Identifiers: ClinVar variation 3710760 (VCV003710760.2).
Genomic context (GRCh38, chr11:66,265,915, plus strand): 5'-GTTTGGACCCCGCAAGCCAGACCAAGGTGGTAGAACTGCTGAAAGATGGCAGTGGCAGGC[G>A]GGGAGACCGCCGCAGCAGCCGAGACATGGCTGGGGGTGCCGGGCCTCGGTCTGAGTCTGA-3'
Protein context (NP_001305663.1, residues 492-512): VELLKDGSGR[Arg502Gln]GDRRSSRDMA

ClinVar aggregate classification (germline): Uncertain significance (1 of 4 stars; one submission).

gnomAD v4.1: 54 of 1,583,938 alleles (0.0034%); highest among the groups gnomAD compares: Non-Finnish European, 0.0039%; no homozygotes.

Submission:

Labcorp Genetics (formerly Invitae), Labcorp
Classification: Uncertain significance. Last evaluated: 2024-11-16. Review status: criteria provided, single submitter. Criteria: Invitae Variant Classification Sherloc (09022015). Collection method: clinical testing. Allele origin: germline.
Comment: This sequence change replaces arginine, which is basic and polar, with glutamine, which is neutral and polar, at codon 502 of the KLC2 protein (p.Arg502Gln). This variant is present in population databases (rs139714613, gnomAD 0.006%). This variant has not been reported in the literature in individuals affected with KLC2-related conditions. An algorithm developed to predict the effect of missense changes on protein structure and function (PolyPhen-2) suggests that this variant is likely to be tolerated. In summary, the available evidence is currently insufficient to determine the role of this variant in disease. Therefore, it has been classified as a Variant of Uncertain Significance.